The following is an entry in ClinVar:

NM_001105247.2(ARMC5):c.1300G>T (p.Ala434Ser)

Gene: ARMC5 (armadillo repeat containing 5; plus strand). Cytogenetic location: 16p11.2.
Variant type: single nucleotide variant.
Coding change: c.1300G>T on transcript NM_001105247.2 (MANE Select); coding-DNA position 1300, G replaced by T.
Protein change: p.Ala434Ser; replaces alanine 434 with serine.
Molecular consequence: missense variant.
Genome position (GRCh38, 1-based): chr16:31,462,847, G>T. VCF-style: chr16-31462847-G-T. GRCh37 (hg19) VCF-style: chr16-31474168-G-T.
Other names: c.1585G>T, p.Ala529Ser (NM_001288767.2); c.1396G>T, p.Ala466Ser (NM_001301820.1); c.1300G>T, p.Ala434Ser (NM_024742.2); short protein forms A434S, A466S, A529S.
Identifiers: ClinVar variation 3347175 (VCV003347175.1).
Genomic context (GRCh38, chr16:31,462,847, plus strand): 5'-CCTCTCCTGGCTGGGCAGCTGTGTGGTGAGGCTGGTGAGGAGGAAGAAGAGGGAAGAGAA[G>T]CTGCTTCCTGGGACTTTCCTGAGGAGAGGACCCCTGAGCGGGCACAGGGTGGAAGCTTCC-3'
Protein context (NP_001098717.1, residues 424-444): AGEEEEEGRE[Ala434Ser]ASWDFPEERT

ClinVar aggregate classification (germline): Uncertain significance (0 of 4 stars; one submission).

Conditions:
ARMC5-related disorder. Also called: ARMC5-related condition.

Submission:

PreventionGenetics, part of Exact Sciences
Classification: Uncertain significance for ARMC5-related condition. Last evaluated: 2024-04-27. Review status: no assertion criteria provided. Collection method: clinical testing. Allele origin: germline.
Comment: The ARMC5 c.1585G>T variant is predicted to result in the amino acid substitution p.Ala529Ser. To our knowledge, this variant has not been reported in the literature or in a large population database, indicating this variant is rare. At this time, the clinical significance of this variant is uncertain due to the absence of conclusive functional and genetic evidence.